The following is an entry in ClinVar:

NM_014991.6(WDFY3):c.9265A>G (p.Asn3089Asp)

Gene: WDFY3 (WD repeat and FYVE domain containing 3; minus strand). Cytogenetic location: 4q21.23.
Variant type: single nucleotide variant.
Coding change: c.9265A>G on transcript NM_014991.6 (MANE Select); coding-DNA position 9265, A replaced by G.
Protein change: p.Asn3089Asp; replaces asparagine 3089 with aspartic acid.
Molecular consequence: missense variant.
Genome position (GRCh38, 1-based): chr4:84,690,604, T>C on the plus strand (A>G on the coding strand, the complement: WDFY3 is on the minus strand). VCF-style: chr4-84690604-T-C. GRCh37 (hg19) VCF-style: chr4-85611757-T-C.
Other names: short protein forms N3089D.
Identifiers: ClinVar variation 3392944 (VCV003392944.1).

ClinVar aggregate classification (germline): Uncertain significance (1 of 4 stars; one submission).

Submission:

GeneDx
Classification: Uncertain significance. Last evaluated: 2024-06-28. Review status: criteria provided, single submitter. Criteria: GeneDx Variant Classification Process June 2021. Collection method: clinical testing. Allele origin: germline. Affected: yes.
Comment: Not observed at significant frequency in large population cohorts (gnomAD); In silico analysis indicates that this missense variant does not alter protein structure/function; Has not been previously published as pathogenic or benign to our knowledge